The following is an entry in ClinVar:

ClinVar aggregate classification (germline): Pathogenic (1 of 4 stars; one submission).

Submission:

Labcorp Genetics (formerly Invitae), Labcorp
Classification: Pathogenic. Last evaluated: 2024-02-24. Review status: criteria provided, single submitter. Criteria: Invitae Variant Classification Sherloc (09022015). Collection method: clinical testing. Allele origin: germline.
Comment: This sequence change creates a premature translational stop signal (p.Trp257*) in the KAT6A gene. It is expected to result in an absent or disrupted protein product. Loss-of-function variants in KAT6A are known to be pathogenic (PMID: 25728775, 25728777, 27133397). This variant is not present in population databases (gnomAD no frequency). This variant has not been reported in the literature in individuals affected with KAT6A-related conditions. For these reasons, this variant has been classified as Pathogenic.

Literature cited by the submitters: PubMed 25728775; PubMed 25728777; PubMed 27133397.

NM_006766.5(KAT6A):c.771G>A (p.Trp257Ter)

Gene: KAT6A (lysine acetyltransferase 6A; minus strand). Cytogenetic location: 8p11.21.
Variant type: single nucleotide variant.
Coding change: c.771G>A on transcript NM_006766.5 (MANE Select); coding-DNA position 771, G replaced by A.
Protein change: p.Trp257Ter; replaces tryptophan 257 with a stop codon.
Molecular consequence: nonsense.
Genome position (GRCh38, 1-based): chr8:41,981,893, C>T on the plus strand (G>A on the coding strand, the complement: KAT6A is on the minus strand). VCF-style: chr8-41981893-C-T. GRCh37 (hg19) VCF-style: chr8-41839411-C-T.
Other names: c.771G>A, p.Trp257Ter (NM_001305878.2); short protein forms W257*.
Identifiers: ClinVar variation 3643061 (VCV003643061.2).